The following is an entry in ClinVar:

ClinVar aggregate classification (germline): Uncertain significance. Review status: criteria provided, multiple submitters, no conflicts (2 of 4 stars). 5 submissions from 5 submitters: Uncertain significance (5). Last evaluated 2026-06-01.

Conditions:
Inborn genetic diseases. Identifiers: MedGen C0950123, MeSH D030342.

Allele frequency attached by ClinVar (database versions not stated): gnomAD 0.00001; gnomAD exomes 0.00004 and 0.00008; ExAC 0.00005; TOPMed 0.00005.
gnomAD v4.1: 63 of 1,614,030 alleles (0.0039%); highest among the groups gnomAD compares: Admixed American, 0.047%; no homozygotes.

Submissions (5):

CeGaT Center for Human Genetics Tuebingen
Classification: Uncertain significance. Last evaluated: 2026-06-01. Review status: criteria provided, single submitter. Criteria: CeGaT Center For Human Genetics Tuebingen Variant Classification Criteria Version 2. Collection method: clinical testing. Allele origin: germline. Affected: yes. Observed: 1 variant allele.
Comment: PDZD7: PM2

GeneDx
Classification: Uncertain significance. Last evaluated: 2026-01-09. Review status: criteria provided, single submitter. Criteria: GeneDx Variant Classification Process June 2021. Collection method: clinical testing. Allele origin: germline. Affected: yes.
Comment: In silico analysis supports that this missense variant has a deleterious effect on protein structure/function; Has not been previously published as pathogenic or benign to our knowledge

Ambry Genetics
Classification: Uncertain significance for Inborn genetic diseases. Last evaluated: 2025-04-30. Review status: criteria provided, single submitter. Criteria: Ambry Variant Classification Scheme 2023. Collection method: clinical testing. Allele origin: germline.

Labcorp Genetics (formerly Invitae), Labcorp
Classification: Uncertain significance. Last evaluated: 2022-10-13. Review status: criteria provided, single submitter. Criteria: Invitae Variant Classification Sherloc (09022015). Collection method: clinical testing. Allele origin: germline.
Comment: This sequence change replaces glutamic acid, which is acidic and polar, with lysine, which is basic and polar, at codon 248 of the PDZD7 protein (p.Glu248Lys). This variant is present in population databases (rs779421889, gnomAD 0.05%). This variant has not been reported in the literature in individuals affected with PDZD7-related conditions. ClinVar contains an entry for this variant (Variation ID: 1015424). Advanced modeling of protein sequence and biophysical properties (such as structural, functional, and spatial information, amino acid conservation, physicochemical variation, residue mobility, and thermodynamic stability) performed at Invitae indicates that this missense variant is not expected to disrupt PDZD7 protein function. In summary, the available evidence is currently insufficient to determine the role of this variant in disease. Therefore, it has been classified as a Variant of Uncertain Significance.

Blueprint Genetics
Classification: Uncertain significance. Last evaluated: 2022-08-29. Review status: criteria provided, single submitter. Criteria: ACMG Guidelines, 2015. Collection method: clinical testing. Allele origin: germline.

NM_001195263.2(PDZD7):c.742G>A (p.Glu248Lys)

Gene: PDZD7 (PDZ domain containing 7; minus strand). Cytogenetic location: 10q24.31.
Variant type: single nucleotide variant.
Coding change: c.742G>A on transcript NM_001195263.2 (MANE Select); coding-DNA position 742, G replaced by A.
Protein change: p.Glu248Lys; replaces glutamic acid 248 with lysine.
Molecular consequence: missense variant.
Genome position (GRCh38, 1-based): chr10:101,021,923, C>T on the plus strand (G>A on the coding strand, the complement: PDZD7 is on the minus strand). VCF-style: chr10-101021923-C-T. GRCh37 (hg19) VCF-style: chr10-102781680-C-T.
Other names: c.742G>A, p.Glu248Lys (NM_001351044.2, NM_024895.5); c.742G>A (NM_001195263.1); short protein forms E248K.
Identifiers: ClinVar variation 1015424 (VCV001015424.12), dbSNP rs779421889, ClinGen allele CA5654261.